The following is an entry in ClinVar:

NM_016507.4(CDK12):c.3830C>T (p.Pro1277Leu)

Gene: CDK12 (cyclin dependent kinase 12; plus strand). Cytogenetic location: 17q12.
Variant type: single nucleotide variant.
Coding change: c.3830C>T on transcript NM_016507.4 (MANE Select); coding-DNA position 3830, C replaced by T.
Protein change: p.Pro1277Leu; replaces proline 1277 with leucine.
Molecular consequence: missense variant.
Genome position (GRCh38, 1-based): chr17:39,530,673, C>T. VCF-style: chr17-39530673-C-T. GRCh37 (hg19) VCF-style: chr17-37686926-C-T.
Other names: c.3803C>T, p.Pro1268Leu (NM_015083.4); short protein forms P1268L, P1277L.
Identifiers: ClinVar variation 3830432 (VCV003830432.1).

ClinVar aggregate classification (germline): Uncertain significance (1 of 4 stars; one submission).

gnomAD v4.1: 8 of 1,613,310 alleles (0.0005%); highest among the groups gnomAD compares: Non-Finnish European, 0.00068%; no homozygotes.

Submission:

Ambry Genetics
Classification: Uncertain significance. Last evaluated: 2024-12-31. Review status: criteria provided, single submitter. Criteria: Ambry Variant Classification Scheme 2023. Collection method: clinical testing. Allele origin: germline.
Comment: The p.P1277L variant (also known as c.3830C>T), located in coding exon 14 of the CDK12 gene, results from a C to T substitution at nucleotide position 3830. The proline at codon 1277 is replaced by leucine, an amino acid with similar properties. This amino acid position is conserved. In addition, this alteration is predicted to be tolerated by in silico analysis. Based on the available evidence, the clinical significance of this variant remains unclear.